The following is an entry in ClinVar:

ClinVar aggregate classification (germline): Uncertain significance. Review status: criteria provided, single submitter (1 of 4 stars). 2 submissions from 2 submitters: Uncertain significance (1). 1 of the submissions does not count toward it. Last evaluated 2023-05-24.

Conditions:
SETX-related disorder. Also called: SETX-related disorders; SETX-related condition. Identifiers: MedGen CN239403.
Amyotrophic lateral sclerosis type 4 (ALS4). Also called: NEURONOPATHY, DISTAL HEREDITARY MOTOR, WITH PYRAMIDAL FEATURES; AMYOTROPHIC LATERAL SCLEROSIS 4, JUVENILE. Identifiers: Orphanet 357043, MedGen C1865409, MONDO:0011223, OMIM 602433.
Spinocerebellar ataxia, autosomal recessive, with axonal neuropathy 2 (SCAN2). Also called: ATAXIA-OCULOMOTOR APRAXIA 2; Ataxia-ocular apraxia-2; Ataxia with Oculomotor Apraxia; Ataxia with Oculomotor Apraxia Type 2. Identifiers: Orphanet 64753, MedGen C1853761, MONDO:0018996, OMIM 606002.

Allele frequency attached by ClinVar (database versions not stated): gnomAD 0.00001; gnomAD exomes 0.00001; TOPMed 0.00001.
gnomAD v4.1: 22 of 1,613,524 alleles (0.0014%); highest among the groups gnomAD compares: Non-Finnish European, 0.0019%; no homozygotes.

Submissions (2):

Labcorp Genetics (formerly Invitae), Labcorp
Classification: Uncertain significance for Amyotrophic lateral sclerosis type 4; Spinocerebellar ataxia, autosomal recessive, with axonal neuropathy 2. Last evaluated: 2023-05-24. Review status: criteria provided, single submitter. Criteria: Invitae Variant Classification Sherloc (09022015). Collection method: clinical testing. Allele origin: germline.
Comment: This variant is not present in population databases (gnomAD no frequency). This variant has not been reported in the literature in individuals affected with SETX-related conditions. ClinVar contains an entry for this variant (Variation ID: 1345437). Advanced modeling of protein sequence and biophysical properties (such as structural, functional, and spatial information, amino acid conservation, physicochemical variation, residue mobility, and thermodynamic stability) performed at Invitae indicates that this missense variant is not expected to disrupt SETX protein function. In summary, the available evidence is currently insufficient to determine the role of this variant in disease. Therefore, it has been classified as a Variant of Uncertain Significance. This sequence change replaces asparagine, which is neutral and polar, with aspartic acid, which is acidic and polar, at codon 2280 of the SETX protein (p.Asn2280Asp).

PreventionGenetics, part of Exact Sciences
Classification: Uncertain significance for SETX-related condition. Last evaluated: 2023-12-18. Review status: no assertion criteria provided. Collection method: clinical testing. Allele origin: germline. Not counted in ClinVar's aggregate classification.
Comment: The SETX c.6838A>G variant is predicted to result in the amino acid substitution p.Asn2280Asp. To our knowledge, this variant has not been reported in the literature or in a large population database, indicating this variant is rare. At this time, the clinical significance of this variant is uncertain due to the absence of conclusive functional and genetic evidence.

NM_015046.7(SETX):c.6838A>G (p.Asn2280Asp)

Gene: SETX (senataxin; minus strand). Cytogenetic location: 9q34.13.
Variant type: single nucleotide variant.
Coding change: c.6838A>G on transcript NM_015046.7 (MANE Select); coding-DNA position 6838, A replaced by G.
Protein change: p.Asn2280Asp; replaces asparagine 2280 with aspartic acid.
Molecular consequence: missense variant.
Genome position (GRCh38, 1-based): chr9:132,278,074, T>C on the plus strand (A>G on the coding strand, the complement: SETX is on the minus strand). VCF-style: chr9-132278074-T-C. GRCh37 (hg19) VCF-style: chr9-135153461-T-C.
Other names: c.6838A>G (NM_015046.5); c.6838A>G, p.Asn2280Asp (NM_001351527.2, NM_001351528.2); short protein forms N2280D.
Identifiers: ClinVar variation 1345437 (VCV001345437.7), dbSNP rs1843269972, ClinGen allele CA375330762.